The following is an entry in ClinVar:

NM_032270.5(LRRC8C):c.2087G>T (p.Arg696Leu)

Gene: LRRC8C (leucine rich repeat containing 8 VRAC subunit C; plus strand). Cytogenetic location: 1p22.2.
Variant type: single nucleotide variant.
Coding change: c.2087G>T on transcript NM_032270.5 (MANE Select); coding-DNA position 2087, G replaced by T.
Protein change: p.Arg696Leu; replaces arginine 696 with leucine.
Molecular consequence: missense variant.
Genome position (GRCh38, 1-based): chr1:89,714,657, G>T. VCF-style: chr1-89714657-G-T. GRCh37 (hg19) VCF-style: chr1-90180216-G-T.
Other names: short protein forms R696L.
Identifiers: ClinVar variation 4985271 (VCV004985271.1).
Genomic context (GRCh38, chr1:89,714,657, plus strand): 5'-CTTCCCACCTCTTCCTATGCAACAAGATCCGATACTTGGACTTATCGTACAATGACATTC[G>T]ATTTATCCCCCCTGAAATTGGAGTTCTACAAAGTTTACAGTATTTTTCCATCACATGTAA-3'
Protein context (NP_115646.3, residues 686-706): RYLDLSYNDI[Arg696Leu]FIPPEIGVLQ

ClinVar aggregate classification (germline): Uncertain significance (1 of 4 stars; one submission).

Conditions:
LRRC8C-related condition.

gnomAD v4.1: 1 of 1,614,052 alleles (0.000062%); highest among the groups gnomAD compares: African/African-American, 0.0013%; no homozygotes.

Submission:

PreventionGenetics, part of Exact Sciences
Classification: Uncertain significance for LRRC8C-related condition. Last evaluated: 2025-12-17. Review status: criteria provided, single submitter. Criteria: ACMG Guidelines, 2015. Collection method: clinical testing. Allele origin: germline.
Comment: The LRRC8C c.2087G>T variant is predicted to result in the amino acid substitution p.Arg696Leu. To our knowledge, this variant has not been reported in the literature or in a large population database (gnomAD), indicating this variant is rare. At this time, the clinical significance of this variant is uncertain due to the absence of conclusive functional and genetic evidence.